The following is an entry in ClinVar:

NM_173354.5(SIK1):c.1084C>T (p.Pro362Ser)

Gene: SIK1 (salt inducible kinase 1; minus strand). Cytogenetic location: 21q22.3.
Variant type: single nucleotide variant.
Coding change: c.1084C>T on transcript NM_173354.5 (MANE Select); coding-DNA position 1084, C replaced by T.
Protein change: p.Pro362Ser; replaces proline 362 with serine.
Molecular consequence: missense variant.
Genome position (GRCh38, 1-based): chr21:43,419,894, G>A on the plus strand (C>T on the coding strand, the complement: SIK1 is on the minus strand). VCF-style: chr21-43419894-G-A. GRCh37 (hg19) VCF-style: chr21-44839774-G-A.
Other names: short protein forms P362S.
Identifiers: ClinVar variation 2752197 (VCV002752197.3), dbSNP rs2516966413, ClinGen allele CA410608769.

ClinVar aggregate classification (germline): Uncertain significance (1 of 4 stars; one submission).

Conditions:
Developmental and epileptic encephalopathy, 30 (DEE30). Also called: Epileptic encephalopathy, early infantile, 30. Identifiers: MedGen C4225360, MONDO:0014595, OMIM 616341.

Submission:

Labcorp Genetics (formerly Invitae), Labcorp
Classification: Uncertain significance for Developmental and epileptic encephalopathy, 30. Last evaluated: 2023-09-10. Review status: criteria provided, single submitter. Criteria: Invitae Variant Classification Sherloc (09022015). Collection method: clinical testing. Allele origin: germline.
Comment: In summary, the available evidence is currently insufficient to determine the role of this variant in disease. Therefore, it has been classified as a Variant of Uncertain Significance. Advanced modeling of protein sequence and biophysical properties (such as structural, functional, and spatial information, amino acid conservation, physicochemical variation, residue mobility, and thermodynamic stability) performed at Invitae indicates that this missense variant is not expected to disrupt SIK1 protein function. This variant has not been reported in the literature in individuals affected with SIK1-related conditions. This variant is not present in population databases (gnomAD no frequency). This sequence change replaces proline, which is neutral and non-polar, with serine, which is neutral and polar, at codon 362 of the SIK1 protein (p.Pro362Ser).